The following is an entry in ClinVar:

NM_015909.4(NBAS):c.1A>C (p.Met1Leu)

Genes: NBAS (NBAS subunit of NRZ tethering complex; minus strand), LOC129933155 (ATAC-STARR-seq lymphoblastoid active region 15346; plus strand). Cytogenetic location: 2p24.3.
Variant type: single nucleotide variant.
Coding change: c.1A>C on transcript NM_015909.4 (MANE Select); coding-DNA position 1, A replaced by C.
Protein change: p.Met1Leu; changes the start codon (methionine 1).
Molecular consequence: missense variant, initiator codon variant. On other transcripts: non-coding transcript variant (1).
Genome position (GRCh38, 1-based): chr2:15,561,304, T>G on the plus strand (A>C on the coding strand, the complement: NBAS is on the minus strand). VCF-style: chr2-15561304-T-G. GRCh37 (hg19) VCF-style: chr2-15701428-T-G.
Other names: c.1A>C (NM_015909.3); short protein forms M1L.
Identifiers: ClinVar variation 1442652 (VCV001442652.10), dbSNP rs368516200, ClinGen allele CA42663442.

ClinVar aggregate classification (germline): Pathogenic/Likely pathogenic. Review status: criteria provided, multiple submitters, no conflicts (2 of 4 stars). 3 submissions from 3 submitters: Pathogenic (2); Likely pathogenic (1). Last evaluated 2025-10-28.

Conditions:
Short stature-optic atrophy-Pelger-Huët anomaly syndrome. Also called: Short stature-optic atrophy-Pelger-HuC+t anomaly syndrome; Short stature, optic nerve atrophy, and Pelger-Huet anomaly. Identifiers: Orphanet 391677, MedGen C3541319, MONDO:0013889, OMIM 614800.
Infantile liver failure syndrome 2 (ILFS2). Identifiers: MedGen C3809651, MONDO:0014659, OMIM 616483.

Allele frequency attached by ClinVar (database versions not stated): gnomAD 0.00002; TOPMed 0.00002; ESP Exome Variant Server 0.00008.

Submissions (3):

Labcorp Genetics (formerly Invitae), Labcorp
Classification: Pathogenic. Last evaluated: 2025-10-28. Review status: criteria provided, single submitter. Criteria: Invitae Variant Classification Sherloc (09022015). Collection method: clinical testing. Allele origin: germline.
Comment: This sequence change affects the initiator codon of the NBAS mRNA. This change may impact translation initiation or efficiency. The next in-frame methionine is located at codon 162. This variant is present in population databases (rs368516200, gnomAD 0.003%). Disruption of the initiator codon has been observed in individual(s) with acute infantile liver failure (PMID: 32957979). ClinVar contains an entry for this variant (Variation ID: 1442652). This variant disrupts a region of the NBAS protein in which other variant(s) (p.Arg137Trp) have been determined to be pathogenic (PMID: 26286438, 26578240). This suggests that this is a clinically significant region of the protein, and that variants that disrupt it are likely to be disease-causing. For these reasons, this variant has been classified as Pathogenic.

GeneDx
Classification: Pathogenic. Last evaluated: 2025-01-21. Review status: criteria provided, single submitter. Criteria: GeneDx Variant Classification Process June 2021. Collection method: clinical testing. Allele origin: germline. Affected: yes.
Comment: Initiation codon variant in a gene for which loss of function is a known mechanism of disease; Not observed at significant frequency in large population cohorts (gnomAD); This variant is associated with the following publications: (PMID: 31964843, 32957979)

Fulgent Genetics
Classification: Likely pathogenic for Short stature-optic atrophy-Pelger-Huët anomaly syndrome; Infantile liver failure syndrome 2. Last evaluated: 2024-03-25. Review status: criteria provided, single submitter. Criteria: ACMG Guidelines, 2015. Collection method: clinical testing. Allele origin: germline.

Literature cited by the submitters: PubMed 32957979 (cited by Labcorp Genetics (formerly Invitae), Labcorp); PubMed 26286438 (cited by Labcorp Genetics (formerly Invitae), Labcorp); PubMed 26578240 (cited by Labcorp Genetics (formerly Invitae), Labcorp).